The following is an entry in ClinVar:

NM_000548.5(TSC2):c.3285C>T (p.Ser1095=)

Gene: TSC2 (TSC complex subunit 2; plus strand). Cytogenetic location: 16p13.3.
Variant type: single nucleotide variant.
Coding change: c.3285C>T on transcript NM_000548.5 (MANE Select); coding-DNA position 3285, C replaced by T.
Protein change: p.Ser1095=; no amino-acid change (serine 1095 retained).
Molecular consequence: synonymous variant.
Genome position (GRCh38, 1-based): chr16:2,079,557, C>T. VCF-style: chr16-2079557-C-T. GRCh37 (hg19) VCF-style: chr16-2129558-C-T.
Other names: c.3153C>T, p.Ser1051= (NM_001077183.3, NM_001370404.1); c.3285C>T, p.Ser1095= (NM_001114382.3); c.3045C>T, p.Ser1015= (NM_001318827.2); c.3009C>T, p.Ser1003= (NM_001318829.2); c.2553C>T, p.Ser851= (NM_001318831.2); c.3186C>T, p.Ser1062= (NM_001318832.2); c.3156C>T, p.Ser1052= (NM_001363528.2, NM_001370405.1, NM_021055.3).
Identifiers: ClinVar variation 467998 (VCV000467998.13), dbSNP rs745446277, ClinGen allele CA045512.

ClinVar aggregate classification (germline): Likely benign. Review status: criteria provided, multiple submitters, no conflicts (2 of 4 stars). 3 submissions from 3 submitters: Likely benign (3). Last evaluated 2024-02-24.

Conditions:
Tuberous sclerosis syndrome (TSC). Also called: Tuberous Sclerosis Complex; Tuberous sclerosis. Identifiers: Orphanet 805, MedGen C0041341, MONDO:0001734.
Tuberous sclerosis 2 (TSC2). Identifiers: Orphanet 805, MedGen C1860707, MONDO:0013199, OMIM 613254.
Hereditary cancer-predisposing syndrome. Also called: Hereditary neoplastic syndrome; Neoplastic Syndromes, Hereditary; Tumor predisposition; Hereditary Cancer Syndrome. Identifiers: Orphanet 140162, MedGen C0027672, MeSH D009386, MONDO:0015356.

Allele frequency attached by ClinVar (database versions not stated): TOPMed below 0.00001; ExAC 0.00001; gnomAD 0.00001; gnomAD exomes 0.00001.
gnomAD v4.1: 5 of 1,609,556 alleles (0.00031%); highest among the groups gnomAD compares: South Asian, 0.0011%; no homozygotes.

Submissions (3):

Labcorp Genetics (formerly Invitae), Labcorp
Classification: Likely benign for Tuberous sclerosis 2. Last evaluated: 2024-02-24. Review status: criteria provided, single submitter. Criteria: Invitae Variant Classification Sherloc (09022015). Collection method: clinical testing. Allele origin: germline.

All of Us Research Program, National Institutes of Health
Classification: Likely benign for Tuberous sclerosis syndrome. Last evaluated: 2023-04-28. Review status: criteria provided, single submitter. Criteria: ACMG Guidelines, 2015. Collection method: clinical testing. Allele origin: germline. Inheritance: Autosomal dominant inheritance. Observed: 1 variant allele, 1 heterozygote.
Comment: This study involves interpretation of variants in research participants for the purpose of population health screening. Participant phenotype was not available at the time of variant classification. Additional details can be found in publication PMID: 35346344, PMCID: PMC8962531

Ambry Genetics
Classification: Likely benign for Hereditary cancer-predisposing syndrome. Last evaluated: 2023-04-22. Review status: criteria provided, single submitter. Criteria: Ambry Variant Classification Scheme 2023. Collection method: clinical testing. Allele origin: germline.